The following is an entry in ClinVar:

NM_001006630.2(CHRM2):c.214A>T (p.Ile72Leu)

Genes: CHRM2 (cholinergic receptor muscarinic 2; plus strand), LOC349160 (uncharacterized LOC349160; minus strand). Cytogenetic location: 7q33.
Variant type: single nucleotide variant.
Coding change: c.214A>T on transcript NM_001006630.2 (MANE Select); coding-DNA position 214, A replaced by T.
Protein change: p.Ile72Leu; replaces isoleucine 72 with leucine.
Molecular consequence: missense variant.
Genome position (GRCh38, 1-based): chr7:137,015,079, A>T. VCF-style: chr7-137015079-A-T. GRCh37 (hg19) VCF-style: chr7-136699826-A-T.
Other names: c.214A>T, p.Ile72Leu (NM_000739.3, NM_001006626.3, NM_001006627.3 and 6 more transcripts); short protein forms I72L.
Identifiers: ClinVar variation 3702702 (VCV003702702.2).

ClinVar aggregate classification (germline): Uncertain significance (1 of 4 stars; one submission).

gnomAD v4.1: 1 of 1,613,342 alleles (0.000062%); highest among the groups gnomAD compares: Non-Finnish European, 0.000085%; no homozygotes.

Submission:

Labcorp Genetics (formerly Invitae), Labcorp
Classification: Uncertain significance. Last evaluated: 2024-06-04. Review status: criteria provided, single submitter. Criteria: Invitae Variant Classification Sherloc (09022015). Collection method: clinical testing. Allele origin: germline.
Comment: This sequence change replaces isoleucine, which is neutral and non-polar, with leucine, which is neutral and non-polar, at codon 72 of the CHRM2 protein (p.Ile72Leu). This variant is not present in population databases (gnomAD no frequency). This variant has not been reported in the literature in individuals affected with CHRM2-related conditions. An algorithm developed to predict the effect of missense changes on protein structure and function (PolyPhen-2) suggests that this variant is likely to be disruptive. In summary, the available evidence is currently insufficient to determine the role of this variant in disease. Therefore, it has been classified as a Variant of Uncertain Significance.